The following is an entry in ClinVar:

ClinVar aggregate classification (germline): Likely benign (0 of 4 stars; one submission).

Conditions:
PCNT-related disorder. Also called: PCNT-related condition.

Submission:

PreventionGenetics, part of Exact Sciences
Classification: Likely benign for PCNT-related condition. Last evaluated: 2023-08-21. Review status: no assertion criteria provided. Collection method: clinical testing. Allele origin: germline.
Comment: This variant is classified as likely benign based on ACMG/AMP sequence variant interpretation guidelines (Richards et al. 2015 PMID: 25741868, with internal and published modifications).

NM_006031.6(PCNT):c.1208-3T>C

Gene: PCNT (pericentrin; plus strand). Cytogenetic location: 21q22.3.
Variant type: single nucleotide variant.
Coding change: c.1208-3T>C on transcript NM_006031.6 (MANE Select); 3 bases into the intron before coding-DNA position 1208, T replaced by C.
Molecular consequence: intron variant.
Genome position (GRCh38, 1-based): chr21:46,349,681, T>C. VCF-style: chr21-46349681-T-C. GRCh37 (hg19) VCF-style: chr21-47769595-T-C.
Other names: c.854-3T>C (NM_001315529.2).
Identifiers: ClinVar variation 3349310 (VCV003349310.1).